The following is an entry in ClinVar:

ClinVar aggregate classification (germline): Likely benign. Review status: criteria provided, multiple submitters, no conflicts (2 of 4 stars). 5 submissions from 5 submitters: Likely benign (5). Last evaluated 2024-03-13.

Conditions:
Aortic aneurysm, familial thoracic 4 (AAT4). Also called: AORTIC ANEURYSM/AORTIC DISSECTION AND PATENT DUCTUS ARTERIOSUS. Identifiers: MedGen C1851504, MONDO:0007568, OMIM 132900.
Familial thoracic aortic aneurysm and aortic dissection (TAAD). Also called: Thoracic aortic aneurysms and dissections. Identifiers: Orphanet 91387, MedGen C4707243, MONDO:0019625.

Allele frequency attached by ClinVar (database versions not stated): gnomAD 0.00001 and 0.00002; gnomAD exomes 0.00001; TOPMed 0.00001; ExAC 0.00003; 1000 Genomes Project 30x 0.00016; 1000 Genomes Project 0.00020.
gnomAD v4.1: 15 of 1,614,158 alleles (0.00093%); highest among the groups gnomAD compares: East Asian, 0.0045%; no homozygotes.

Submissions (5):

Ambry Genetics
Classification: Likely benign for Familial thoracic aortic aneurysm and aortic dissection. Last evaluated: 2024-03-13. Review status: criteria provided, single submitter. Criteria: Ambry Variant Classification Scheme 2023. Collection method: clinical testing. Allele origin: germline.

All of Us Research Program, National Institutes of Health
Classification: Likely benign for Familial thoracic aortic aneurysm and aortic dissection. Last evaluated: 2023-08-15. Review status: criteria provided, single submitter. Criteria: ACMG Guidelines, 2015. Collection method: clinical testing. Allele origin: germline. Inheritance: Autosomal dominant inheritance. Observed: 1 variant allele, 1 heterozygote.
Comment: This study involves interpretation of variants in research participants for the purpose of population health screening. Participant phenotype was not available at the time of variant classification. Additional details can be found in publication PMID: 35346344, PMCID: PMC8962531

CHEO Genetics Diagnostic Laboratory, Children's Hospital of Eastern Ontario
Classification: Likely benign for Familial thoracic aortic aneurysm and aortic dissection. Last evaluated: 2023-01-09. Review status: criteria provided, single submitter. Criteria: ACMG Guidelines, 2015. Collection method: clinical testing. Allele origin: germline.

Labcorp Genetics (formerly Invitae), Labcorp
Classification: Likely benign for Aortic aneurysm, familial thoracic 4. Last evaluated: 2021-01-27. Review status: criteria provided, single submitter. Criteria: Invitae Variant Classification Sherloc (09022015). Collection method: clinical testing. Allele origin: germline.

Color Diagnostics, LLC DBA Color Health
Classification: Likely benign for Familial thoracic aortic aneurysm and aortic dissection. Last evaluated: 2018-11-21. Review status: criteria provided, single submitter. Criteria: ACMG Guidelines, 2015. Collection method: clinical testing. Allele origin: germline.

NM_002474.3(MYH11):c.273G>A (p.Ala91=)

Gene: MYH11 (myosin heavy chain 11; minus strand). Cytogenetic location: 16p13.11.
Variant type: single nucleotide variant.
Coding change: c.273G>A on transcript NM_002474.3 (MANE Select); coding-DNA position 273, G replaced by A.
Protein change: p.Ala91=; no amino-acid change (alanine 91 retained).
Molecular consequence: synonymous variant.
Genome position (GRCh38, 1-based): chr16:15,837,980, C>T on the plus strand (G>A on the coding strand, the complement: MYH11 is on the minus strand). VCF-style: chr16-15837980-C-T. GRCh37 (hg19) VCF-style: chr16-15931837-C-T.
Other names: c.273G>A, p.Ala91= (NM_001040113.2, NM_001040114.2, NM_022844.3); c.273G>A (NM_002474.2).
Identifiers: ClinVar variation 921614 (VCV000921614.13), dbSNP rs549825667, ClinGen allele CA7923100.
Genomic context (GRCh38, chr16:15,837,980, plus strand): 5'-TGAGAAGTACCGCTCCCTCAGGTTGTGTAGCACGGAGGCTTCGTTGAGGCACGTCAGCTC[C>T]GCCATGTCCTCCACCTTGGAGAACTTGGGTGGGTTCATCTTCTGGATGTCATCTTTCCCA-3'
Protein context (NP_002465.1, residues 81-101): PPKFSKVEDM[Ala91=]ELTCLNEASV